The following is an entry in ClinVar:

ClinVar aggregate classification (germline): Uncertain significance (1 of 4 stars; one submission).

Allele frequency attached by ClinVar (database versions not stated): gnomAD exomes below 0.00001; ExAC 0.00001; TOPMed 0.00001.
gnomAD v4.1: 1 of 1,612,876 alleles (0.000062%); highest among the groups gnomAD compares: Admixed American, 0.0017%; no homozygotes.

Submission:

GeneDx
Classification: Uncertain significance. Last evaluated: 2020-07-10. Review status: criteria provided, single submitter. Criteria: GeneDx Variant Classification Process June 2021. Collection method: clinical testing. Allele origin: germline. Affected: yes.
Comment: Not observed at a significant frequency in large population cohorts (Lek et al., 2016); In silico analysis supports that this missense variant does not alter protein structure/function; Has not been previously published as pathogenic or benign to our knowledge

NM_000899.5(KITLG):c.58A>T (p.Asn20Tyr)

Gene: KITLG (KIT ligand; minus strand). Cytogenetic location: 12q21.32.
Variant type: single nucleotide variant.
Coding change: c.58A>T on transcript NM_000899.5 (MANE Select); coding-DNA position 58, A replaced by T.
Protein change: p.Asn20Tyr; replaces asparagine 20 with tyrosine.
Molecular consequence: missense variant.
Genome position (GRCh38, 1-based): chr12:88,545,823, T>A on the plus strand (A>T on the coding strand, the complement: KITLG is on the minus strand). VCF-style: chr12-88545823-T-A. GRCh37 (hg19) VCF-style: chr12-88939600-T-A.
Other names: c.58A>T, p.Asn20Tyr (NM_003994.6); short protein forms N20Y.
Identifiers: ClinVar variation 1316082 (VCV001316082.2), dbSNP rs777399875, ClinGen allele CA6713833.